The following is an entry in ClinVar:

NM_017882.3(CLN6):c.268A>G (p.Asn90Asp)

Gene: CLN6 (CLN6 transmembrane ER protein; minus strand). Cytogenetic location: 15q23.
Variant type: single nucleotide variant.
Coding change: c.268A>G on transcript NM_017882.3 (MANE Select); coding-DNA position 268, A replaced by G.
Protein change: p.Asn90Asp; replaces asparagine 90 with aspartic acid.
Molecular consequence: missense variant.
Genome position (GRCh38, 1-based): chr15:68,214,319, T>C on the plus strand (A>G on the coding strand, the complement: CLN6 is on the minus strand). VCF-style: chr15-68214319-T-C. GRCh37 (hg19) VCF-style: chr15-68506657-T-C.
Other names: c.268A>G (NM_017882.2); short protein forms N90D.
Identifiers: ClinVar variation 1486464 (VCV001486464.5), dbSNP rs2093214490, ClinGen allele CA392974370.
Genomic context (GRCh38, chr15:68,214,319, plus strand): 5'-ACAGGAGAGAGTGGGGGCCCTGGGACAGTACCTTGAGCAAGAGAAAGGGCGTGATGACGT[T>C]GTAGGCCATGTGGAAGTAGTCCCCAACACTGGGCTTGTTGAGTGGAAACCACTCGAGAGG-3'
Protein context (NP_060352.1, residues 80-100): SVGDYFHMAY[Asn90Asp]VITPFLLLKL

ClinVar aggregate classification (germline): Conflicting classifications of pathogenicity. Review status: criteria provided, conflicting classifications (1 of 4 stars). 3 submissions from 3 submitters: Likely pathogenic (1); Uncertain significance (2). Last evaluated 2026-02-19.

Conditions:
Neuronal ceroid lipofuscinosis. Also called: Neuronal Ceroid Lipofuscinoses. Identifiers: Orphanet 216, Orphanet 79263, MedGen C0027877, MONDO:0016295. Disease mechanism: loss of function.

gnomAD v4.1: 1 of 1,614,018 alleles (0.000062%); no homozygotes.

Submissions (3):

GeneDx
Classification: Likely pathogenic. Last evaluated: 2026-02-19. Review status: criteria provided, single submitter. Criteria: GeneDx Variant Classification Process June 2021. Collection method: clinical testing. Allele origin: germline.
Comment: Not observed at significant frequency in large population cohorts (gnomAD); In silico analysis supports that this missense variant has a deleterious effect on protein structure/function; This variant is associated with the following publications: (PMID: Saboori2023[CaseReport], 38374194)

Labcorp Genetics (formerly Invitae), Labcorp
Classification: Uncertain significance for Neuronal ceroid lipofuscinosis. Last evaluated: 2026-01-26. Review status: criteria provided, single submitter. Criteria: Invitae Variant Classification Sherloc (09022015). Collection method: clinical testing. Allele origin: germline.
Comment: This sequence change replaces asparagine, which is neutral and polar, with aspartic acid, which is acidic and polar, at codon 90 of the CLN6 protein (p.Asn90Asp). This variant is not present in population databases (gnomAD no frequency). This missense change has been observed in individual(s) with CLN6-related conditions (PMID: 38374194). ClinVar contains an entry for this variant (Variation ID: 1486464). Invitae Evidence Modeling of protein sequence and biophysical properties (such as structural, functional, and spatial information, amino acid conservation, physicochemical variation, residue mobility, and thermodynamic stability) indicates that this missense variant is not expected to disrupt CLN6 protein function with a negative predictive value of 80%. In summary, the available evidence is currently insufficient to determine the role of this variant in disease. Therefore, it has been classified as a Variant of Uncertain Significance.

Myriad Genetics, Inc.
Classification: Uncertain significance for Neuronal ceroid lipofuscinosis. Last evaluated: 2025-09-30. Review status: criteria provided, single submitter. Criteria: Myriad Autosomal Dominant, Autosomal Recessive and X-Linked Classification Criteria (2023). Collection method: clinical testing. Allele origin: unknown.
Comment: NM_017882.2(CLN6):c.268A>G(N90D) is a missense variant classified as a variant of uncertain significance in the context of neuronal ceroid lipofuscinosis, CLN6-related. N90D has been observed in a case with relevant disease (PMID: 38374194). Relevant functional assessments of this variant are not available in the literature. N90D has not been observed in referenced population frequency databases. In summary, there is insufficient evidence to classify NM_017882.2(CLN6):c.268A>G(N90D) as pathogenic or benign. Please note: this variant was assessed in the context of healthy population screening.

Literature cited by the submitters: PubMed 38374194 (cited by Labcorp Genetics (formerly Invitae), Labcorp and Myriad Genetics, Inc.).